The following is an entry in ClinVar:

NM_000545.8(HNF1A):c.306C>T (p.Ala102=)

Gene: HNF1A (HNF1 homeobox A; plus strand). Cytogenetic location: 12q24.31.
Variant type: single nucleotide variant.
Coding change: c.306C>T on transcript NM_000545.8 (MANE Select); coding-DNA position 306, C replaced by T.
Protein change: p.Ala102=; no amino-acid change (alanine 102 retained).
Molecular consequence: synonymous variant.
Genome position (GRCh38, 1-based): chr12:120,979,074, C>T. VCF-style: chr12-120979074-C-T. GRCh37 (hg19) VCF-style: chr12-121416877-C-T.
Other names: NM_000545.8(HNF1A):c.306C>T; p.Ala102=; c.306C>T, p.Ala102= (NM_001306179.2).
Identifiers: ClinVar variation 435418 (VCV000435418.13), dbSNP rs1486966222, ClinGen allele CA482430491.

ClinVar aggregate classification (germline): Likely benign. Review status: reviewed by expert panel (3 of 4 stars). 6 submissions from 6 submitters: Likely benign (1). 5 of the submissions do not count toward it. Last evaluated 2023-08-13.

Conditions:
Monogenic diabetes. Identifiers: Orphanet 183625, MedGen C3888631, MONDO:0015967.
Maturity-onset diabetes of the young (MODY). Also called: Maturity onset diabetes mellitus in young. Identifiers: Orphanet 552, MedGen C0342276, MONDO:0018911, HP:0004904.

Allele frequency attached by ClinVar (database versions not stated): gnomAD 0.00001; TOPMed 0.00002.
gnomAD v4.1: 7 of 1,610,832 alleles (0.00043%); highest among the groups gnomAD compares: African/African-American, 0.0027%; no homozygotes.

Submissions (6):

ClinGen Monogenic Diabetes Variant Curation Expert Panel
Classification: Likely benign for Monogenic diabetes. Last evaluated: 2023-08-13. Review status: reviewed by expert panel. Criteria: ClinGen Diabetes ACMG Specifications HNF1A V2.1.0. Collection method: curation. Allele origin: germline. Inheritance: Autosomal dominant inheritance.
Comment: The c.306C>T variant in the HNF1 homeobox A gene, HNF1A, is a synonymous (silent) variant at codon 102 (p.(Ala102=)) of NM_000545.8. This synonymous variant is not predicted by SpliceAI to impact splicing (BP4; BP7) and is at a nucleotide not predicted to be highly conserved (phyloP100way < 2). Additionally, has been observed in unknown phase with a pathogenic HNF1A variant (BP2; internal lab contributor). This variant has an incomputable gnomAD v2.1.1 Popmax filtering allele frequency due to 0 copies in the European non-Finnish subpopulation and 1 copy in the African/African American subpopulation, thereby meeting the ClinGen MDEP threshold criteria for PM2_Supporting (ENF Popmax FAF <= 0.000003 and <= 2 copies in ENF and <=1 copy in any other subpopulation) (PM2_Supporting). In summary, c.306C>T meets the criteria to be classified as likely benign for monogenic diabetes. ACMG/AMP criteria applied, as specified by the ClinGen MDEP (specification version 2.1.0, approved 8/11/2023): BP2, BP4, BP7, PM2_Supporting.

Labcorp Genetics (formerly Invitae), Labcorp
Classification: Likely benign. Last evaluated: 2025-08-21. Review status: criteria provided, single submitter. Criteria: Invitae Variant Classification Sherloc (09022015). Collection method: clinical testing. Allele origin: germline. Not counted in ClinVar's aggregate classification.

Ambry Genetics
Classification: Likely benign for Maturity-onset diabetes of the young. Last evaluated: 2022-10-11. Review status: criteria provided, single submitter. Criteria: Ambry Variant Classification Scheme 2023. Collection method: clinical testing. Allele origin: germline. Not counted in ClinVar's aggregate classification.

Athena Diagnostics
Classification: Likely benign. Last evaluated: 2019-06-12. Review status: criteria provided, single submitter. Criteria: Athena Diagnostics Criteria. Collection method: clinical testing. Allele origin: germline. Not counted in ClinVar's aggregate classification.

Genetic Services Laboratory, University of Chicago
Classification: Likely benign. Last evaluated: 2015-11-04. Review status: criteria provided, single submitter. Criteria: ACMG Guidelines, 2015. Collection method: clinical testing. Allele origin: germline. Affected: no. Not counted in ClinVar's aggregate classification.

Clinical Genomics, Uppaluri K&H Personalized Medicine Clinic
Classification: Benign for Maturity-onset diabetes of the young. Review status: criteria provided, single submitter. Criteria: K & H Uppaluri Personalized Medicine Clinic Variant Classification & Assertion Criteria_Updated V.1. Collection method: research. Allele origin: unknown. Inheritance: Autosomal dominant inheritance. Not counted in ClinVar's aggregate classification.
Comment: Mutations in HNF1A gene can predispose to MODY3. It is associated with both micro and macrovascular complications of diabetes, especially cardiovascular complications. Associated with glucosuria. May respond well to sulfonylureas. However, more evidence is required to confer the association of this particular variant rs1486966222 with MODY3.

Literature cited by the submitters: PubMed 31517624 (cited by Clinical Genomics, Uppaluri K&H Personalized Medicine Clinic); PubMed 32395877 (cited by Clinical Genomics, Uppaluri K&H Personalized Medicine Clinic); PubMed 35328643 (cited by Clinical Genomics, Uppaluri K&H Personalized Medicine Clinic); PubMed 35673428 (cited by Clinical Genomics, Uppaluri K&H Personalized Medicine Clinic).